The following is an entry in ClinVar:

ClinVar aggregate classification (germline): Conflicting classifications of pathogenicity. Review status: criteria provided, conflicting classifications (1 of 4 stars). 2 submissions from 2 submitters: Uncertain significance (1); Benign (1). Last evaluated 2019-07-12.

Conditions:
MELAS syndrome (MELAS). Also called: Juvenile myopathy, encephalopathy, lactic acidosis, stroke. Identifiers: Orphanet 550, MedGen C0162671, MONDO:0010789, OMIM 540000.

Submissions (2):

Wong Mito Lab, Molecular and Human Genetics, Baylor College of Medicine
Classification: Benign for MELAS syndrome. Last evaluated: 2019-07-12. Review status: criteria provided, single submitter. Criteria: Modified ACMG Guidelines (Unpublished). Collection method: clinical testing. Allele origin: germline.
Comment: The NC_012920.1:m.4388A>G variant in MT-TQ gene is interpreted to be a Benign variant based on the modified ACMG guidelines (unpublished). This variant meets the following evidence codes reported in the guidelines: BS1, BS4, BP4

Center for Pediatric Genomic Medicine, Children's Mercy Hospital and Clinics
Classification: Uncertain significance. Last evaluated: 2015-12-22. Review status: criteria provided, single submitter. Criteria: ACMG Guidelines, 2015. Collection method: clinical testing. Allele origin: germline.
ClinVar note: Converted during submission from Uncertain Significance to Uncertain significance.

Literature cited by the submitters: PubMed 31965079 (cited by Wong Mito Lab, Molecular and Human Genetics, Baylor College of Medicine).

NC_012920.1(MT-TQ):m.4388A>G

Gene: MT-TQ (mitochondrially encoded tRNA glutamine; minus strand).
Variant type: single nucleotide variant.
Genome position: chrM-4388-A-G.
Identifiers: ClinVar variation 235438 (VCV000235438.4), dbSNP rs375986475, ClinGen allele CA10581310.